The following is an entry in ClinVar:

NM_002693.3(POLG):c.1894G>A (p.Ala632Thr)

Gene: POLG (DNA polymerase gamma, catalytic subunit; minus strand). Cytogenetic location: 15q26.1.
Variant type: single nucleotide variant.
Coding change: c.1894G>A on transcript NM_002693.3 (MANE Select); coding-DNA position 1894, G replaced by A.
Protein change: p.Ala632Thr; replaces alanine 632 with threonine.
Molecular consequence: missense variant.
Genome position (GRCh38, 1-based): chr15:89,325,505, C>T on the plus strand (G>A on the coding strand, the complement: POLG is on the minus strand). VCF-style: chr15-89325505-C-T. GRCh37 (hg19) VCF-style: chr15-89868736-C-T.
Other names: c.1894G>A, p.Ala632Thr (NM_001126131.2); short protein forms A632T.
Identifiers: ClinVar variation 597713 (VCV000597713.9), dbSNP rs908875872, ClinGen allele CA10602208.

ClinVar aggregate classification (germline): Uncertain significance. Review status: criteria provided, multiple submitters, no conflicts (2 of 4 stars). 3 submissions from 3 submitters: Uncertain significance (3). Last evaluated 2026-01-29.

Conditions:
Progressive sclerosing poliodystrophy (MTDPS4A). Also called: Alpers-Huttenlocher Syndrome (AHS); Alpers Syndrome; ALPERS PROGRESSIVE INFANTILE POLIODYSTROPHY; Mitochondrial DNA depletion syndrome 4A (Alpers type); ALPERS DIFFUSE DEGENERATION OF CEREBRAL GRAY MATTER WITH HEPATIC CIRRHOSIS; Alpers-Huttenlocher Syndrome. Identifiers: Orphanet 726, MedGen C0205710, MONDO:0008758, OMIM 203700.

Allele frequency attached by ClinVar (database versions not stated): gnomAD 0.00001; TOPMed 0.00001.

Submissions (3):

Labcorp Genetics (formerly Invitae), Labcorp
Classification: Uncertain significance for Progressive sclerosing poliodystrophy. Last evaluated: 2026-01-29. Review status: criteria provided, single submitter. Criteria: Invitae Variant Classification Sherloc (09022015). Collection method: clinical testing. Allele origin: germline.
Comment: This sequence change replaces alanine, which is neutral and non-polar, with threonine, which is neutral and polar, at codon 632 of the POLG protein (p.Ala632Thr). This variant is not present in population databases (gnomAD no frequency). This variant has not been reported in the literature in individuals affected with POLG-related conditions. ClinVar contains an entry for this variant (Variation ID: 597713). Invitae Evidence Modeling of protein sequence and biophysical properties (such as structural, functional, and spatial information, amino acid conservation, physicochemical variation, residue mobility, and thermodynamic stability) indicates that this missense variant is not expected to disrupt POLG protein function with a negative predictive value of 95%. In summary, the available evidence is currently insufficient to determine the role of this variant in disease. Therefore, it has been classified as a Variant of Uncertain Significance.

Wong Mito Lab, Molecular and Human Genetics, Baylor College of Medicine
Classification: Uncertain significance for Progressive sclerosing poliodystrophy. Last evaluated: 2018-10-01. Review status: criteria provided, single submitter. Criteria: ACMG Guidelines, 2015. Collection method: clinical testing. Allele origin: germline.
Comment: The NM_002693.2:c.1894G>A (NP_002684.1:p.Ala632Thr) [GRCH38: NC_000015.10:g.89325505C>T] variant in POLG gene is interpretated to be a Uncertain Significance based on ACMG guidelines (PMID: 25741868). This variant meets the following evidence codes reported in the ACMG-guideline. BP4:Computational evidence/predictors indicate no impact on the POLG structure, function, or protein-protein interaction. Based on the evidence criteria codes applied, the variant is suggested to be Uncertain Significance.

Eurofins Ntd Llc (ga)
Classification: Uncertain significance. Last evaluated: 2018-07-03. Review status: criteria provided, single submitter. Criteria: EGL ClinVar v180209 classification definitions. Collection method: clinical testing. Allele origin: germline. Observed: 1 variant allele, 1 heterozygote.